The following is an entry in ClinVar:

NM_001267550.2(TTN):c.2658_2659del (p.Pro887fs)

Gene: TTN (titin; minus strand). Cytogenetic location: 2q31.2.
Variant type: Microsatellite.
Coding change: c.2658_2659del on transcript NM_001267550.2 (MANE Select); coding-DNA positions 2658 to 2659, 2 bases deleted (AC; older notation c.2658_2659delAC).
Protein change: p.Pro887fs; shifts the reading frame from proline 887.
Molecular consequence: frameshift variant.
Genome position (GRCh38, 1-based): chr2:178,784,186-178,784,187, GT deleted on the plus strand (AC on the coding strand, the reverse complement: TTN is on the minus strand); deleting any 2 consecutive bases within chr2:178,784,186-178,784,191 gives the same sequence; the c. name uses the placement nearest the transcript's 3' end. VCF-style (leftmost placement, unchanged base first): chr2-178784185-GGT-G. GRCh37 (hg19) VCF-style: chr2-179648912-GGT-G.
Other names: c.2520_2521del, p.Pro841fs (NM_133432.3, NM_133437.4, NM_003319.4); c.2658_2659del, p.Pro887fs (NM_001256850.1, NM_133378.4, NM_133379.5); short protein forms P887fs, P841fs.
Identifiers: ClinVar variation 4784944 (VCV004784944.1).

ClinVar aggregate classification (germline): Likely pathogenic (1 of 4 stars; one submission).

Conditions:
Autosomal recessive limb-girdle muscular dystrophy type 2J (LGMDR10). Also called: Limb-girdle muscular dystrophy, type 2J; MUSCULAR DYSTROPHY, LIMB-GIRDLE, AUTOSOMAL RECESSIVE 10. Identifiers: Orphanet 140922, MedGen C1837342, MONDO:0012127, OMIM 608807.
Dilated cardiomyopathy 1G (CMD1G). Identifiers: Orphanet 154, MedGen C1858763, MONDO:0011400, OMIM 604145.

Submission:

Labcorp Genetics (formerly Invitae), Labcorp
Classification: Likely pathogenic for Dilated cardiomyopathy 1G; Autosomal recessive limb-girdle muscular dystrophy type 2J. Last evaluated: 2025-05-12. Review status: criteria provided, single submitter. Criteria: Invitae Variant Classification Sherloc (09022015). Collection method: clinical testing. Allele origin: germline.
Comment: This sequence change creates a premature translational stop signal (p.Pro887Argfs*6) in the TTN gene. While this is not anticipated to result in nonsense mediated decay, it is expected to create a truncated TTN protein. This variant is not present in population databases (gnomAD no frequency). This variant has not been reported in the literature in individuals affected with TTN-related conditions. This variant is located in the Z band of TTN (PMID: 25589632). Truncating variants in this region have been reported in individuals affected with autosomal recessive centronuclear myopathy (PMID: 33449170, internal data). Truncating variants in this region have also been identified in individuals affected with autosomal dominant dilated cardiomyopathy and/or cardio-related conditions (PMID: 27869827, 32964742, internal data). In summary, the currently available evidence indicates that the variant is pathogenic, but additional data are needed to prove that conclusively. Therefore, this variant has been classified as Likely Pathogenic.

Literature cited by the submitters: PubMed 25589632; PubMed 33449170; PubMed 27869827; PubMed 32964742.